The following is an entry in ClinVar:

NM_183050.4(BCKDHB):c.1A>T (p.Met1Leu)

Gene: BCKDHB (branched chain keto acid dehydrogenase E1 subunit beta; plus strand). Cytogenetic location: 6q14.1.
Variant type: single nucleotide variant.
Coding change: c.1A>T on transcript NM_183050.4 (MANE Select); coding-DNA position 1, A replaced by T.
Protein change: p.Met1Leu; changes the start codon (methionine 1).
Molecular consequence: missense variant, initiator codon variant. On other transcripts: non-coding transcript variant (1), intron variant (1).
Genome position (GRCh38, 1-based): chr6:80,106,694, A>T. VCF-style: chr6-80106694-A-T. GRCh37 (hg19) VCF-style: chr6-80816411-A-T.
Other names: c.1A>T, p.Met1Leu (NM_000056.5); c.-15+11A>T (NM_001318975.1); c.1A>T (NM_183050.3); short protein forms M1L.
Identifiers: ClinVar variation 551456 (VCV000551456.14), dbSNP rs1005542482, ClinGen allele CA364657845.

ClinVar aggregate classification (germline): Pathogenic/Likely pathogenic. Review status: criteria provided, multiple submitters, no conflicts (2 of 4 stars). 6 submissions from 6 submitters: Pathogenic (4); Likely pathogenic (1). 1 of the submissions does not count toward it. Last evaluated 2025-12-10.

Conditions:
Maple syrup urine disease type 1A (MSUD1A). Also called: MSUD type 1A. Identifiers: MedGen C1855369, MONDO:0023691, OMIM 248600.
Maple syrup urine disease type 1B (MSUD1B). Also called: MSUD type IB; MSUD type 3 (formerly); MSUD due to deficiency of e1-beta subunit of branched-chain alpha-keto acid dehydrogenase complex. Identifiers: MedGen C2930990, MONDO:0023692, OMIM 620698.
Maple syrup urine disease (MSUD). Identifiers: Orphanet 511, MedGen C0024776, MeSH D008375, MONDO:0009563. Disease mechanism: loss of function.

Allele frequency attached by ClinVar (database versions not stated): gnomAD 0.00001; gnomAD exomes 0.00001; TOPMed 0.00002.

Submissions (6):

Labcorp Genetics (formerly Invitae), Labcorp
Classification: Pathogenic for Maple syrup urine disease. Last evaluated: 2025-12-10. Review status: criteria provided, single submitter. Criteria: Invitae Variant Classification Sherloc (09022015). Collection method: clinical testing. Allele origin: germline.
Comment: This sequence change affects the initiator codon of the BCKDHB mRNA. This change may impact translation initiation or efficiency. The next in-frame methionine is located at codon 71. This variant is present in population databases (no rsID available, gnomAD 0.004%). Disruption of the initiator codon has been observed in individual(s) with maple syrup urine disease (PMID: 26257134, 31980395; internal data). ClinVar contains an entry for this variant (Variation ID: 551456). For these reasons, this variant has been classified as Pathogenic.

Natera, Inc.
Classification: Likely pathogenic for Maple syrup urine disease type 1B. Last evaluated: 2025-04-08. Review status: criteria provided, single submitter. Criteria: Natera Variant Classification Schema (03/2026). Collection method: clinical testing. Allele origin: germline.
Comment: The c.1A>T variant in BCKDHB is predicted to result in start loss due to disruption of the initiator methionine. This variant is rare in the general population with a frequency below the threshold expected for the associated phenotype(s). This variant has been observed in one or more individuals affected with the associated recessive disease, as either homozygous or compound heterozygous with a second variant (PMID: 28417071, 31980395, 33300147). Computational prediction algorithms indicate this variant is likely to affect gene or protein function. Given the available evidence, this variant is classified as Likely Pathogenic.

Genomic Medicine Center of Excellence, King Faisal Specialist Hospital and Research Centre
Classification: Pathogenic for Maple syrup urine disease type 1B. Last evaluated: 2024-03-17. Review status: criteria provided, single submitter. Criteria: ACMG Guidelines, 2015. Collection method: research. Allele origin: germline.

Fulgent Genetics
Classification: Pathogenic for Maple syrup urine disease type 1B. Last evaluated: 2024-02-29. Review status: criteria provided, single submitter. Criteria: ACMG Guidelines, 2015. Collection method: clinical testing. Allele origin: germline.

Department of Pathology and Laboratory Medicine, Sinai Health System
Classification: Pathogenic for maple syrup urine disease type 1B. Last evaluated: 2020-08-11. Review status: criteria provided, single submitter. Criteria: ACMG Guidelines, 2015. Collection method: research. Allele origin: germline.

Counsyl
Classification: Likely pathogenic for Maple syrup urine disease type 1A. Last evaluated: 2017-04-11. Review status: no assertion criteria provided. Collection method: clinical testing. Allele origin: unknown. Not counted in ClinVar's aggregate classification.

Literature cited by the submitters: PubMed 26257134 (cited by Labcorp Genetics (formerly Invitae), Labcorp); PubMed 31980395 (cited by Labcorp Genetics (formerly Invitae), Labcorp and Natera, Inc.); PubMed 28417071 (cited by Natera, Inc.); PubMed 33300147 (cited by Natera, Inc.).